The following is an entry in ClinVar:

NM_022041.4(GAN):c.1016A>G (p.Gln339Arg)

Gene: GAN (gigaxonin; plus strand). Cytogenetic location: 16q23.2.
Variant type: single nucleotide variant.
Coding change: c.1016A>G on transcript NM_022041.4 (MANE Select); coding-DNA position 1016, A replaced by G.
Protein change: p.Gln339Arg; replaces glutamine 339 with arginine.
Molecular consequence: missense variant.
Genome position (GRCh38, 1-based): chr16:81,362,541, A>G. VCF-style: chr16-81362541-A-G. GRCh37 (hg19) VCF-style: chr16-81396146-A-G.
Other names: c.377A>G, p.Gln126Arg (NM_001377486.1); short protein forms Q339R, Q126R.
Identifiers: ClinVar variation 533928 (VCV000533928.8), dbSNP rs1462816857, ClinGen allele CA396874908.

ClinVar aggregate classification (germline): Uncertain significance (1 of 4 stars; one submission).

Conditions:
Giant axonal neuropathy 1 (GAN1). Also called: GAN-Related Neurodegeneration; GIANT AXONAL NEUROPATHY 1, AUTOSOMAL RECESSIVE. Identifiers: Orphanet 643, MedGen C1850386, MONDO:0009749, OMIM 256850.

Allele frequency attached by ClinVar (database versions not stated): TOPMed below 0.00001; gnomAD exomes 0.00001; gnomAD 0.00002 and 0.00003.
gnomAD v4.1: 14 of 1,610,380 alleles (0.00087%); highest among the groups gnomAD compares: Non-Finnish European, 0.0012%; no homozygotes.

Submission:

Labcorp Genetics (formerly Invitae), Labcorp
Classification: Uncertain significance for Giant axonal neuropathy 1. Last evaluated: 2022-02-09. Review status: criteria provided, single submitter. Criteria: Invitae Variant Classification Sherloc (09022015). Collection method: clinical testing. Allele origin: germline.
Comment: Algorithms developed to predict the effect of missense changes on protein structure and function (SIFT, PolyPhen-2, Align-GVGD) all suggest that this variant is likely to be tolerated. In summary, the available evidence is currently insufficient to determine the role of this variant in disease. Therefore, it has been classified as a Variant of Uncertain Significance. ClinVar contains an entry for this variant (Variation ID: 533928). This variant has not been reported in the literature in individuals affected with GAN-related conditions. This variant is not present in population databases (gnomAD no frequency). This sequence change replaces glutamine, which is neutral and polar, with arginine, which is basic and polar, at codon 339 of the GAN protein (p.Gln339Arg).